The following is an entry in ClinVar:

NM_001267550.2(TTN):c.44186_44194dup (p.Leu14731_Val14732insAspSerLeu)

Gene: TTN (titin; minus strand). Cytogenetic location: 2q31.2.
Variant type: Duplication.
Coding change: c.44186_44194dup on transcript NM_001267550.2 (MANE Select); coding-DNA positions 44186 to 44194, 9 bases duplicated (ACTCCCTTG; older notation c.44186_44194dupACTCCCTTG).
Protein change: p.Leu14731_Val14732insAspSerLeu.
Molecular consequence: inframe insertion.
Genome position (GRCh38, 1-based): chr2:178,630,328-178,630,336, CAAGGGAGT duplicated on the plus strand (ACTCCCTTG on the coding strand, the reverse complement: TTN is on the minus strand). VCF-style (leftmost placement, unchanged base first): chr2-178630327-A-ACAAGGGAGT. GRCh37 (hg19) VCF-style: chr2-179495054-A-ACAAGGGAGT.
Other names: c.39263_39271dup, p.Leu13090_Val13091insAspSerLeu (NM_001256850.1); c.16991_16999dup, p.Leu5666_Val5667insAspSerLeu (NM_003319.4); c.36482_36490dup, p.Leu12163_Val12164insAspSerLeu (NM_133378.4); c.17366_17374dup, p.Leu5791_Val5792insAspSerLeu (NM_133432.3); c.17567_17575dup, p.Leu5858_Val5859insAspSerLeu (NM_133437.4).
Identifiers: ClinVar variation 3389423 (VCV003389423.14).

ClinVar aggregate classification (germline): Uncertain significance (1 of 4 stars; one submission).

Submission:

CeGaT Center for Human Genetics Tuebingen
Classification: Uncertain significance. Last evaluated: 2024-09-01. Review status: criteria provided, single submitter. Criteria: CeGaT Center For Human Genetics Tuebingen Variant Classification Criteria Version 2. Collection method: clinical testing. Allele origin: germline. Affected: yes. Observed: 1 variant allele.
Comment: TTN: PM2, PM4